The following is an entry in ClinVar:

ClinVar aggregate classification (germline): Likely pathogenic. Review status: criteria provided, multiple submitters, no conflicts (2 of 4 stars). 2 submissions from 2 submitters: Likely pathogenic (2). Last evaluated 2025-05-08.

Conditions:
Charcot-Marie-Tooth disease, type IA (CMT1A). Also called: CHARCOT-MARIE-TOOTH DISEASE, DEMYELINATING, TYPE 1A; Charcot-Marie-Tooth disease type 1A; CMT 1A; Hereditary motor and sensory neuropathy 1A; HMSN 1A; CHARCOT-MARIE-TOOTH DISEASE, AUTOSOMAL DOMINANT, WITH FOCALLY FOLDED MYELIN SHEATHS, TYPE 1A. Identifiers: Orphanet 101081, MedGen C0270911, MONDO:0007309, OMIM 118220.

Submissions (2):

Clinical Biomedical Laboratory, Shriners Hospital For Children - Canada
Classification: Likely pathogenic for Charcot-Marie-Tooth disease, type IA. Last evaluated: 2025-05-08. Review status: criteria provided, single submitter. Criteria: ACMG Guidelines, 2015. Collection method: clinical testing. Allele origin: germline. Affected: yes.
Comment: This variant is predicted to substitute a proline residue by an arginine residue, which is predicted to be deleterious to the function of the affected protein (Revel 0.83). This variant is not observed in the Genome Aggregation Database (v2.1.1.), and has been reported in ClinVar (Variation ID:448092) as pathogenic.

Athena Diagnostics
Classification: Likely pathogenic. Last evaluated: 2017-02-28. Review status: criteria provided, single submitter. Criteria: Athena Diagnostics Criteria. Collection method: clinical testing. Allele origin: germline.

NM_000304.4(PMP22):c.431C>G (p.Pro144Arg)

Gene: PMP22 (peripheral myelin protein 22; minus strand). Cytogenetic location: 17p12.
Variant type: single nucleotide variant.
Coding change: c.431C>G on transcript NM_000304.4 (MANE Select); coding-DNA position 431, C replaced by G.
Protein change: p.Pro144Arg; replaces proline 144 with arginine.
Molecular consequence: missense variant. On other transcripts: non-coding transcript variant (2).
Genome position (GRCh38, 1-based): chr17:15,230,969, G>C on the plus strand (C>G on the coding strand, the complement: PMP22 is on the minus strand). VCF-style: chr17-15230969-G-C. GRCh37 (hg19) VCF-style: chr17-15134286-G-C.
Other names: c.431C>G, p.Pro144Arg (NM_001281455.2, NM_001281456.2, NM_153321.3 and 1 more transcripts); short protein forms P144R.
Identifiers: ClinVar variation 448092 (VCV000448092.2), dbSNP rs1555564032, ClinGen allele CA398739549.